The following is an entry in ClinVar:

ClinVar aggregate classification (germline): Uncertain significance. Review status: criteria provided, multiple submitters, no conflicts (2 of 4 stars). 2 submissions from 2 submitters: Uncertain significance (2). Last evaluated 2025-06-10.

Conditions:
Cardiovascular phenotype. Identifiers: MedGen CN230736.

Allele frequency attached by ClinVar (database versions not stated): gnomAD 0.00001; TOPMed 0.00001.
gnomAD v4.1: 7 of 1,612,764 alleles (0.00043%); highest among the groups gnomAD compares: East Asian, 0.011%; no homozygotes.

Submissions (2):

Labcorp Genetics (formerly Invitae), Labcorp
Classification: Uncertain significance. Last evaluated: 2025-06-10. Review status: criteria provided, single submitter. Criteria: Invitae Variant Classification Sherloc (09022015). Collection method: clinical testing. Allele origin: germline.
Comment: This sequence change replaces serine, which is neutral and polar, with cysteine, which is neutral and slightly polar, at codon 124 of the LMF1 protein (p.Ser124Cys). This variant is not present in population databases (gnomAD no frequency). This missense change has been observed in individual(s) with dyslipidemia (PMID: 36325899). ClinVar contains an entry for this variant (Variation ID: 1734268). An algorithm developed to predict the effect of missense changes on protein structure and function (PolyPhen-2) suggests that this variant is likely to be disruptive. In summary, the available evidence is currently insufficient to determine the role of this variant in disease. Therefore, it has been classified as a Variant of Uncertain Significance.

Ambry Genetics
Classification: Uncertain significance for Cardiovascular phenotype. Last evaluated: 2022-07-14. Review status: criteria provided, single submitter. Criteria: Ambry Variant Classification Scheme 2023. Collection method: clinical testing. Allele origin: germline.
Comment: The p.S124C variant (also known as c.371C>G), located in coding exon 2 of the LMF1 gene, results from a C to G substitution at nucleotide position 371. The serine at codon 124 is replaced by cysteine, an amino acid with dissimilar properties. This amino acid position is conserved. In addition, this alteration is predicted to be tolerated by in silico analysis. Since supporting evidence is limited at this time, the clinical significance of this alteration remains unclear.

Literature cited by the submitters: PubMed 36325899 (cited by Labcorp Genetics (formerly Invitae), Labcorp).

NM_022773.4(LMF1):c.371C>G (p.Ser124Cys)

Gene: LMF1 (lipase maturation factor 1; minus strand). Cytogenetic location: 16p13.3.
Variant type: single nucleotide variant.
Coding change: c.371C>G on transcript NM_022773.4 (MANE Select); coding-DNA position 371, C replaced by G.
Protein change: p.Ser124Cys; replaces serine 124 with cysteine.
Molecular consequence: missense variant. On other transcripts: 5 prime UTR variant (3), non-coding transcript variant (1).
Genome position (GRCh38, 1-based): chr16:954,489, G>C on the plus strand (C>G on the coding strand, the complement: LMF1 is on the minus strand). VCF-style: chr16-954489-G-C. GRCh37 (hg19) VCF-style: chr16-1004489-G-C.
Other names: c.-433C>G (NM_001352017.2); c.-184C>G (NM_001352018.2); c.44C>G, p.Ser15Cys (NM_001352019.2); c.371C>G, p.Ser124Cys (NM_001352020.1); c.-335C>G (NM_001352021.2); short protein forms S15C, S124C.
Identifiers: ClinVar variation 1734268 (VCV001734268.3), dbSNP rs1294083549, ClinGen allele CA394104645.